The following is an entry in ClinVar:

ClinVar aggregate classification (germline): Uncertain significance (1 of 4 stars; one submission).

Submission:

Ambry Genetics
Classification: Uncertain significance. Last evaluated: 2026-03-07. Review status: criteria provided, single submitter. Criteria: Ambry Variant Classification Scheme 2023. Collection method: clinical testing. Allele origin: germline.
Comment: The p.N656H variant (also known as c.1966A>C), located in coding exon 11 of the PALLD gene, results from an A to C substitution at nucleotide position 1966. The asparagine at codon 656 is replaced by histidine, an amino acid with similar properties. This amino acid position is conserved. In addition, this alteration is predicted to be tolerated by in silico analysis. Based on the available evidence, the clinical significance of this variant remains unclear.

NM_001166108.2(PALLD):c.*152A>C

Genes: CBR4 (carbonyl reductase 4; minus strand), PALLD (palladin, cytoskeletal associated protein; plus strand). Cytogenetic location: 4q32.3.
Variant type: single nucleotide variant.
Coding change: c.*152A>C on transcript NM_001166108.2 (MANE Select); 152 bases downstream of the stop codon, A replaced by C.
Molecular consequence: 3 prime UTR variant. On other transcripts: missense variant (4).
Genome position (GRCh38, 1-based): chr4:168,926,332, A>C. VCF-style: chr4-168926332-A-C. GRCh37 (hg19) VCF-style: chr4-169847483-A-C.
Other names: c.2281A>C, p.Asn761His (NM_001166109.2); c.1966A>C, p.Asn656His (NM_001166110.2); c.*152A>C (NM_001367567.1, NM_001367570.1, NM_016081.4); c.1357A>C, p.Asn453His (NM_001367568.1); c.1306A>C, p.Asn436His (NM_001367569.1); short protein forms N453H, N436H, N656H, N761H.
Identifiers: ClinVar variation 4826075 (VCV004826075.1).